The following is an entry in ClinVar:

ClinVar aggregate classification (germline): Pathogenic (1 of 4 stars; one submission).

Conditions:
Fanconi anemia (FA). Also called: Fanconi's anemia. Identifiers: Orphanet 84, MedGen C0015625, MeSH D005199, MONDO:0019391.

Submission:

Labcorp Genetics (formerly Invitae), Labcorp
Classification: Pathogenic for Fanconi anemia. Last evaluated: 2021-03-29. Review status: criteria provided, single submitter. Criteria: Invitae Variant Classification Sherloc (09022015). Collection method: clinical testing. Allele origin: germline.
Comment: For these reasons, this variant has been classified as Pathogenic. This variant has not been reported in the literature in individuals with FANCA-related conditions. This variant is a gross deletion of the genomic region encompassing exon(s) 15-27 of the FANCA gene. This variant would be expected to be in-frame, preserving the integrity of the reading frame. The region of the FANCA gene that includes exon(s) 15-17 has been determined to be clinically significant (PMID: 10521298, 23613520, 17924555, 9711872). Therefore, deletions that encompass that region are likely to disrupt protein function and cause disease.

Literature cited by the submitters: PubMed 10521298; PubMed 23613520; PubMed 17924555; PubMed 9711872.

NC_000016.10:g.(?_89767131)_(89784974_?)del

Gene: FANCA (FA complementation group A; minus strand). Cytogenetic location: 16q24.3.
Variant type: Deletion.
Identifiers: ClinVar variation 830942 (VCV000830942.7).